The following is an entry in ClinVar:

ClinVar aggregate classification (germline): Pathogenic (1 of 4 stars; one submission).

Conditions:
Congenital disorder of glycosylation, type Iaa. Also called: Congenital disorder of glycosylation, type 1aa. Identifiers: MedGen C4310727, MONDO:0014904, OMIM 617082.

Submission:

Labcorp Genetics (formerly Invitae), Labcorp
Classification: Pathogenic for Congenital disorder of glycosylation, type Iaa. Last evaluated: 2025-10-16. Review status: criteria provided, single submitter. Criteria: Invitae Variant Classification Sherloc (09022015). Collection method: clinical testing. Allele origin: germline.
Comment: This sequence change creates a premature translational stop signal (p.Ser76Valfs*58) in the NUS1 gene. It is expected to result in an absent or disrupted protein product. Loss-of-function variants in NUS1 are known to be pathogenic (PMID: 29100083). This variant is not present in population databases (gnomAD no frequency). This variant has not been reported in the literature in individuals affected with NUS1-related conditions. For these reasons, this variant has been classified as Pathogenic.

Literature cited by the submitters: PubMed 29100083.

NM_138459.5(NUS1):c.225dup (p.Ser76fs)

Gene: NUS1 (NUS1 dehydrodolichyl diphosphate synthase subunit; plus strand). Cytogenetic location: 6q22.1.
Variant type: Duplication.
Coding change: c.225dup on transcript NM_138459.5 (MANE Select); coding-DNA position 225, one base duplicated (G; older notation c.225dupG).
Protein change: p.Ser76fs; shifts the reading frame from serine 76.
Molecular consequence: frameshift variant.
Genome position (GRCh38, 1-based): chr6:117,675,895, G duplicated; the last of 6 consecutive G bases (chr6:117,675,890-117,675,895); duplicating any one gives the same sequence. VCF-style (leftmost placement, unchanged base first): chr6-117675889-C-CG. GRCh37 (hg19) VCF-style: chr6-117997052-C-CG.
Other names: short protein forms S76fs.
Identifiers: ClinVar variation 4729331 (VCV004729331.1).